The following is an entry in ClinVar:

ClinVar aggregate classification (germline): Pathogenic (1 of 4 stars; one submission).

Conditions:
Hereditary hemorrhagic telangiectasia (HHT). Also called: ORW DISEASE; Osler Weber Rendu syndrome; OSLER-RENDU-WEBER DISEASE; Osler hemorrhagic telangiectasia syndrome. Identifiers: Orphanet 774, MedGen C0039445, MONDO:0019180. Disease mechanism: loss of function.

Submission:

Labcorp Genetics (formerly Invitae), Labcorp
Classification: Pathogenic for Hereditary hemorrhagic telangiectasia. Last evaluated: 2021-04-20. Review status: criteria provided, single submitter. Criteria: Invitae Variant Classification Sherloc (09022015). Collection method: clinical testing. Allele origin: germline.
Comment: Donor and acceptor splice site variants typically lead to a loss of protein function (PMID: 16199547), and loss-of-function variants in ENG are known to be pathogenic (PMID: 21158752, 12673790). For these reasons, this variant has been classified as Pathogenic. Algorithms developed to predict the effect of sequence changes on RNA splicing suggest that this variant may disrupt the consensus splice site, but this prediction has not been confirmed by published transcriptional studies. This variant has not been reported in the literature in individuals with ENG-related disease. A different variant affecting this nucleotide (c.1428+2T>G) has been reported in an individual affected with hereditary hemorrhagic telangiectasia (PMID: 16752392). This suggests that this nucleotide is important for normal RNA splicing, and that other variants at this position may also be pathogenic. This sequence change affects a donor splice site in intron 11 of the ENG gene. It is expected to disrupt RNA splicing and likely results in an absent or disrupted protein product. This variant is not present in population databases (ExAC no frequency).

Literature cited by the submitters: PubMed 16199547; PubMed 21158752; PubMed 12673790; PubMed 16752392.

NM_001114753.3(ENG):c.1428+2T>A

Genes: ENG (endoglin; minus strand), LOC102723566 (uncharacterized LOC102723566; plus strand). Cytogenetic location: 9q34.11.
Variant type: single nucleotide variant.
Coding change: c.1428+2T>A on transcript NM_001114753.3 (MANE Select); the canonical splice donor site of the intron after coding-DNA position 1428, T replaced by A.
Molecular consequence: splice donor variant.
Genome position (GRCh38, 1-based): chr9:127,818,714, A>T on the plus strand (T>A on the coding strand, the complement: ENG is on the minus strand). VCF-style: chr9-127818714-A-T. GRCh37 (hg19) VCF-style: chr9-130580993-A-T.
Other names: c.1428+2T>A (NM_000118.4); c.882+2T>A (NM_001278138.2).
Identifiers: ClinVar variation 458337 (VCV000458337.10), dbSNP rs863223543, ClinGen allele CA374976461.